The following is an entry in ClinVar:

ClinVar aggregate classification (germline): Likely benign. Review status: criteria provided, multiple submitters, no conflicts (2 of 4 stars). 2 submissions from 2 submitters: Likely benign (2). Last evaluated 2022-06-27.

Conditions:
Pyruvate dehydrogenase E2 deficiency (PDHDD). Also called: Dihydrolipoamide Acetyltransferase (E2) Deficiency; LACTIC ACIDEMIA DUE TO DEFECT OF E2 LIPOYL TRANSACETYLASE OF THE PYRUVATE DEHYDROGENASE COMPLEX. Identifiers: Orphanet 765, Orphanet 79244, MedGen C1855565, MONDO:0009502, OMIM 245348.

Allele frequency attached by ClinVar (database versions not stated): gnomAD exomes below 0.00001.
gnomAD v4.1: 3 of 1,613,216 alleles (0.00019%); highest among the groups gnomAD compares: Admixed American, 0.0033%; no homozygotes.

Submissions (2):

Labcorp Genetics (formerly Invitae), Labcorp
Classification: Likely benign for Pyruvate dehydrogenase E2 deficiency. Last evaluated: 2022-06-27. Review status: criteria provided, single submitter. Criteria: Invitae Variant Classification Sherloc (09022015). Collection method: clinical testing. Allele origin: germline.

GeneDx
Classification: Likely benign. Last evaluated: 2017-06-30. Review status: criteria provided, single submitter. Criteria: GeneDx Variant Classification (06012015). Collection method: clinical testing. Allele origin: germline. Affected: yes.
Comment: This variant is considered likely benign or benign based on one or more of the following criteria: it is a conservative change, it occurs at a poorly conserved position in the protein, it is predicted to be benign by multiple in silico algorithms, and/or has population frequency not consistent with disease.

NM_001931.5(DLAT):c.976-15A>T

Gene: DLAT (dihydrolipoamide S-acetyltransferase; plus strand). Cytogenetic location: 11q23.1.
Variant type: single nucleotide variant.
Coding change: c.976-15A>T on transcript NM_001931.5 (MANE Select); 15 bases into the intron before coding-DNA position 976, A replaced by T.
Molecular consequence: intron variant.
Genome position (GRCh38, 1-based): chr11:112,039,229, A>T. VCF-style: chr11-112039229-A-T. GRCh37 (hg19) VCF-style: chr11-111909953-A-T.
Other names: c.514-15A>T (NM_001372042.1); c.976-15A>T (NM_001372031.1, NM_001372033.1, NM_001372035.1 and 1 more transcripts); c.661-15A>T (NM_001372039.1, NM_001372041.1); c.697-15A>T (NM_001372038.1); c.595-15A>T (NM_001372040.1); c.943-15A>T (NM_001372034.1); c.850-15A>T (NM_001372036.1); c.808-15A>T (NM_001372037.1).
Identifiers: ClinVar variation 518189 (VCV000518189.5), dbSNP rs1555180789, ClinGen allele CA658797797.